The following is an entry in ClinVar:

ClinVar aggregate classification (germline): Uncertain significance (1 of 4 stars; one submission).

gnomAD v4.1: 1 of 1,502,456 alleles (0.000067%); highest among the groups gnomAD compares: Non-Finnish European, 0.000093%; no homozygotes.

Submission:

GeneDx
Classification: Uncertain significance. Last evaluated: 2026-01-21. Review status: criteria provided, single submitter. Criteria: GeneDx Variant Classification Process June 2021. Collection method: clinical testing. Allele origin: germline.
Comment: Not observed at significant frequency in large population cohorts (gnomAD); In silico analysis suggests that this missense variant does not alter protein structure/function; Has not been previously published as pathogenic or benign to our knowledge

NM_000103.4(CYP19A1):c.1049T>C (p.Ile350Thr)

Genes: CYP19A1 (cytochrome P450 family 19 subfamily A member 1; minus strand), MIR4713HG (MIR4713 host gene; plus strand), PIRC66 (piwi-interacting RNA cluster 66; plus strand). Cytogenetic location: 15q21.2.
Variant type: single nucleotide variant.
Coding change: c.1049T>C on transcript NM_000103.4 (MANE Select); coding-DNA position 1049, T replaced by C.
Protein change: p.Ile350Thr; replaces isoleucine 350 with threonine.
Molecular consequence: missense variant.
Genome position (GRCh38, 1-based): chr15:51,212,534, A>G on the plus strand (T>C on the coding strand, the complement: CYP19A1 is on the minus strand). VCF-style: chr15-51212534-A-G. GRCh37 (hg19) VCF-style: chr15-51504731-A-G.
Other names: c.1049T>C, p.Ile350Thr (NM_001347248.1, NM_001347249.2, NM_001347250.2 and 7 more transcripts); short protein forms I350T.
Identifiers: ClinVar variation 4975428 (VCV004975428.1).
Genomic context (GRCh38, chr15:51,212,534, plus strand): 5'-ACGACAGGCTGGTACCGCATGCTCTCATAAATGAAGTTTTCCATCACTTTTAATTTTTGT[A>G]TATCATCAATCTTTATGTCTCTCTCACCTGTGGAAACAGATAAAAGGAACAAAGAAGGTA-3'
Protein context (NP_000094.2, residues 340-360): IGERDIKIDD[Ile350Thr]QKLKVMENFI